The following is an entry in ClinVar:

NM_001372044.2(SHANK3):c.1688+21_1688+30del

Gene: SHANK3 (SH3 and multiple ankyrin repeat domains 3; plus strand). Cytogenetic location: 22q13.33.
Variant type: Microsatellite.
Coding change: c.1688+21_1688+30del on transcript NM_001372044.2 (MANE Select); bases 21 to 30 of the intron after coding-DNA position 1688, 10 bases deleted (CGGGGGGGCG; older notation c.1688+21_1688+30delCGGGGGGGCG).
Molecular consequence: intron variant.
Genome position (GRCh38, 1-based): chr22:50,697,736-50,697,745, CGGGGGGGCG deleted; deleting any 10 consecutive bases within chr22:50,697,720-50,697,745 gives the same sequence; the c. name uses the placement nearest the transcript's 3' end. VCF-style (leftmost placement, unchanged base first): chr22-50697719-AGGGGCGCGGG-A. GRCh37 (hg19) VCF-style: chr22-51136147-AGGGGCGCGGG-A.
Identifiers: ClinVar variation 2653416 (VCV002653416.25), dbSNP rs748070447, ClinGen allele CA10325528.

ClinVar aggregate classification (germline): Likely benign. Review status: criteria provided, multiple submitters, no conflicts (2 of 4 stars). 2 submissions from 2 submitters: Likely benign (2). Last evaluated 2026-09-01.

Submissions (2):

CeGaT Center for Human Genetics Tuebingen
Classification: Likely benign. Last evaluated: 2026-09-01. Review status: criteria provided, single submitter. Criteria: CeGaT Center For Human Genetics Tuebingen Variant Classification Criteria Version 2. Collection method: clinical testing. Allele origin: germline. Affected: yes. Observed: 8 variant alleles.
Comment: SHANK3: BS1

Blueprint Genetics
Classification: Likely benign. Last evaluated: 2024-10-22. Review status: criteria provided, single submitter. Criteria: ACMG Guidelines, 2015. Collection method: clinical testing. Allele origin: germline.